The following is an entry in ClinVar:

ClinVar aggregate classification (germline): Uncertain significance (1 of 4 stars; one submission).

Conditions:
Charcot-Marie-Tooth disease type 2. Also called: Charcot-Marie-Tooth type 2. Identifiers: Orphanet 64746, MedGen C0270914, MONDO:0018993.

Allele frequency attached by ClinVar (database versions not stated): gnomAD exomes below 0.00001.
gnomAD v4.1: 1 of 1,613,994 alleles (0.000062%); highest among the groups gnomAD compares: Non-Finnish European, 0.000085%; no homozygotes.

Submission:

Labcorp Genetics (formerly Invitae), Labcorp
Classification: Uncertain significance for Charcot-Marie-Tooth disease type 2. Last evaluated: 2024-02-01. Review status: criteria provided, single submitter. Criteria: Invitae Variant Classification Sherloc (09022015). Collection method: clinical testing. Allele origin: germline.
Comment: This sequence change replaces glutamine, which is neutral and polar, with lysine, which is basic and polar, at codon 1350 of the KIF1B protein (p.Gln1350Lys). This variant is present in population databases (no rsID available, gnomAD 0.0009%). This variant has not been reported in the literature in individuals affected with KIF1B-related conditions. ClinVar contains an entry for this variant (Variation ID: 1990061). An algorithm developed to predict the effect of missense changes on protein structure and function (PolyPhen-2) suggests that this variant is likely to be disruptive. In summary, the available evidence is currently insufficient to determine the role of this variant in disease. Therefore, it has been classified as a Variant of Uncertain Significance.

NM_001365951.3(KIF1B):c.4186C>A (p.Gln1396Lys)

Gene: KIF1B (kinesin family member 1B; plus strand). Cytogenetic location: 1p36.22.
Variant type: single nucleotide variant.
Coding change: c.4186C>A on transcript NM_001365951.3 (MANE Select); coding-DNA position 4186, C replaced by A.
Protein change: p.Gln1396Lys; replaces glutamine 1396 with lysine.
Molecular consequence: missense variant.
Genome position (GRCh38, 1-based): chr1:10,361,707, C>A. VCF-style: chr1-10361707-C-A. GRCh37 (hg19) VCF-style: chr1-10421765-C-A.
Other names: c.4186C>A, p.Gln1396Lys (NM_001365952.1); c.4048C>A, p.Gln1350Lys (NM_015074.3); short protein forms Q1396K, Q1350K.
Identifiers: ClinVar variation 1990061 (VCV001990061.4), dbSNP rs1409318308, ClinGen allele CA338317004.